The following is an entry in ClinVar:

NM_006158.5(NEFL):c.487G>T (p.Glu163Ter)

Gene: NEFL (neurofilament light chain; minus strand). Cytogenetic location: 8p21.2.
Variant type: single nucleotide variant.
Coding change: c.487G>T on transcript NM_006158.5 (MANE Select); coding-DNA position 487, G replaced by T.
Protein change: p.Glu163Ter; replaces glutamic acid 163 with a stop codon.
Molecular consequence: nonsense.
Genome position (GRCh38, 1-based): chr8:24,956,029, C>A on the plus strand (G>T on the coding strand, the complement: NEFL is on the minus strand). VCF-style: chr8-24956029-C-A. GRCh37 (hg19) VCF-style: chr8-24813543-C-A.
Other names: short protein forms E163*.
Identifiers: ClinVar variation 369981 (VCV000369981.2), dbSNP rs876661155, ClinGen allele CA10654937.

ClinVar aggregate classification (germline): Pathogenic (1 of 4 stars; one submission).

Conditions:
Charcot-Marie-Tooth disease type 2E (CMT2E). Also called: CHARCOT-MARIE-TOOTH NEUROPATHY, TYPE 2E; CHARCOT-MARIE-TOOTH DISEASE, AXONAL, TYPE 2E. Identifiers: Orphanet 99939, MedGen C1843225, MONDO:0011894, OMIM 607684.

gnomAD v4.1: 1 of 1,604,028 alleles (0.000062%); highest among the groups gnomAD compares: Non-Finnish European, 0.000085%; no homozygotes.

Submission:

Neurology Department, Peking University First Hospital
Classification: Pathogenic for Charcot-Marie-Tooth disease type 2E. Last evaluated: 2016-11-01. Review status: criteria provided, single submitter. Criteria: ACMG Guidelines, 2015. Collection method: clinical testing. Allele origin: germline. Inheritance: Autosomal recessive inheritance. Affected: yes. Observed: 1 variant allele, 1 homozygote.
Comment: Our data expanded the clinical and genetic spectrum of NEFL-related neuropathy. The NEFL homozygous nonsense mutation c.487Gï¼žT (p.Glu163Ter) introduced a premature stop codon, and was considered to be pathogenic.